The following is an entry in ClinVar:

NM_003742.4(ABCB11):c.668G>T (p.Arg223Leu)

Gene: ABCB11 (ATP binding cassette subfamily B member 11; minus strand). Cytogenetic location: 2q31.1.
Variant type: single nucleotide variant.
Coding change: c.668G>T on transcript NM_003742.4 (MANE Select); coding-DNA position 668, G replaced by T.
Protein change: p.Arg223Leu; replaces arginine 223 with leucine.
Molecular consequence: missense variant.
Genome position (GRCh38, 1-based): chr2:168,993,826, C>A on the plus strand (G>T on the coding strand, the complement: ABCB11 is on the minus strand). VCF-style: chr2-168993826-C-A. GRCh37 (hg19) VCF-style: chr2-169850336-C-A.
Other names: short protein forms R223L.
Identifiers: ClinVar variation 3347169 (VCV003347169.1).

ClinVar aggregate classification (germline): Uncertain significance (0 of 4 stars; one submission).

Conditions:
ABCB11-related disorder. Also called: ABCB11-related condition.

gnomAD v4.1: 3 of 1,611,218 alleles (0.00019%); highest among the groups gnomAD compares: Non-Finnish European, 0.00025%; no homozygotes.

Submission:

PreventionGenetics, part of Exact Sciences
Classification: Uncertain significance for ABCB11-related condition. Last evaluated: 2024-06-01. Review status: no assertion criteria provided. Collection method: clinical testing. Allele origin: germline.
Comment: The ABCB11 c.668G>T variant is predicted to result in the amino acid substitution p.Arg223Leu. To our knowledge, this variant has not been reported in the literature or in a large population database, indicating this variant is rare. This variant is predicted to alter splicing by causing the loss of splice acceptor site based on available splicing prediction software (SpliceAI, Jaganathan et al. 2019. PubMed ID: 30661751). However, the use of computer prediction software is not equivalent to functional evidence. At this time, the clinical significance of this variant is uncertain due to the absence of conclusive functional and genetic evidence.